The following is an entry in ClinVar:

NM_007294.4(BRCA1):c.1639A>T (p.Asn547Tyr)

Gene: BRCA1 (BRCA1 DNA repair associated; minus strand). Cytogenetic location: 17q21.31.
Variant type: single nucleotide variant.
Coding change: c.1639A>T on transcript NM_007294.4 (MANE Select); coding-DNA position 1639, A replaced by T.
Protein change: p.Asn547Tyr; replaces asparagine 547 with tyrosine.
Molecular consequence: missense variant. On other transcripts: intron variant (137).
Genome position (GRCh38, 1-based): chr17:43,093,892, T>A on the plus strand (A>T on the coding strand, the complement: BRCA1 is on the minus strand). VCF-style: chr17-43093892-T-A. GRCh37 (hg19) VCF-style: chr17-41245909-T-A.
Other names: c.1639A>T, p.Asn547Tyr (NM_001407639.1, NM_001407640.1, NM_001407641.1 and 30 more transcripts); c.1636A>T, p.Asn546Tyr (NM_001407644.1, NM_001407645.1, NM_001407860.1 and 22 more transcripts); c.1630A>T, p.Asn544Tyr (NM_001407646.1, NM_001407647.1); c.1516A>T, p.Asn506Tyr (NM_001407648.1, NM_001407664.1, NM_001407665.1 and 19 more transcripts); c.1513A>T, p.Asn505Tyr (NM_001407649.1, NM_001407670.1, NM_001407671.1 and 11 more transcripts); c.1561A>T, p.Asn521Tyr (NM_001407653.1, NM_001407654.1, NM_001407655.1 and 4 more transcripts); c.1558A>T, p.Asn520Tyr (NM_001407659.1, NM_001407660.1, NM_001407661.1 and 1 more transcripts); c.1498A>T, p.Asn500Tyr (NM_001407692.1, NM_001407694.1, NM_001407695.1 and 29 more transcripts); and 40 more; short protein forms N547Y, N500Y, N477Y, N479Y, N546Y, N379Y, N420Y, N435Y.
Identifiers: ClinVar variation 628085 (VCV000628085.12), dbSNP rs1060502351, ClinGen allele CA10598758.

ClinVar aggregate classification (germline): Conflicting classifications of pathogenicity. Review status: criteria provided, conflicting classifications (1 of 4 stars). 4 submissions from 4 submitters: Uncertain significance (3); Likely benign (1). Last evaluated 2025-12-03.

Conditions:
Hereditary cancer-predisposing syndrome. Also called: Neoplastic Syndromes, Hereditary; Tumor predisposition; Hereditary neoplastic syndrome; Hereditary Cancer Syndrome. Identifiers: Orphanet 140162, MedGen C0027672, MeSH D009386, MONDO:0015356.
Hereditary breast ovarian cancer syndrome. Also called: Hereditary breast and ovarian cancer syndrome; Hereditary breast and ovarian cancer; Hereditary breast and ovarian cancer syndrome (HBOC); Breast and ovarian cancer; Hereditary breast and/or ovarian cancer syndrome; BRCA1- and BRCA2-Associated Hereditary Breast and Ovarian Cancer. Identifiers: Orphanet 145, MedGen C0677776, MeSH D061325, MONDO:0003582. Disease mechanism: loss of function.

Submissions (4):

Ambry Genetics
Classification: Uncertain significance for Hereditary cancer-predisposing syndrome. Last evaluated: 2025-12-03. Review status: criteria provided, single submitter. Criteria: Ambry Variant Classification Scheme 2023. Collection method: clinical testing. Allele origin: germline.
Comment: The p.N547Y variant (also known as c.1639A>T), located in coding exon 9 of the BRCA1 gene, results from an A to T substitution at nucleotide position 1639. The asparagine at codon 547 is replaced by tyrosine, an amino acid with dissimilar properties. This amino acid position is not well conserved in available vertebrate species. In addition, this alteration is predicted to be deleterious by in silico analysis. Based on the available evidence, the clinical significance of this variant remains unclear.

University of Washington Department of Laboratory Medicine, University of Washington
Classification: Likely benign for Hereditary cancer-predisposing syndrome. Last evaluated: 2023-03-23. Review status: criteria provided, single submitter. Criteria: Dines et al. (Genet Med. 2020). Collection method: curation. Allele origin: germline.
Comment: Missense variant in a coldspot region where missense variants are very unlikely to be pathogenic (PMID:31911673).

BRCA1 coldspot (exon 11 using historical exon numbering). Reclassification based on statistical prior probability

Labcorp Genetics (formerly Invitae), Labcorp
Classification: Uncertain significance for Hereditary breast ovarian cancer syndrome. Last evaluated: 2022-05-17. Review status: criteria provided, single submitter. Criteria: Invitae Variant Classification Sherloc (09022015). Collection method: clinical testing. Allele origin: germline.
Comment: This sequence change replaces asparagine, which is neutral and polar, with tyrosine, which is neutral and polar, at codon 547 of the BRCA1 protein (p.Asn547Tyr). This variant is not present in population databases (gnomAD no frequency). This variant has not been reported in the literature in individuals affected with BRCA1-related conditions. ClinVar contains an entry for this variant (Variation ID: 628085). Advanced modeling of protein sequence and biophysical properties (such as structural, functional, and spatial information, amino acid conservation, physicochemical variation, residue mobility, and thermodynamic stability) performed at Invitae indicates that this missense variant is not expected to disrupt BRCA1 protein function. In summary, the available evidence is currently insufficient to determine the role of this variant in disease. Therefore, it has been classified as a Variant of Uncertain Significance.

Color Diagnostics, LLC DBA Color Health
Classification: Uncertain significance for Hereditary cancer-predisposing syndrome. Last evaluated: 2019-04-12. Review status: criteria provided, single submitter. Criteria: ACMG Guidelines, 2015. Collection method: clinical testing. Allele origin: germline.